The following is an entry in ClinVar:

ClinVar aggregate classification (germline): Uncertain significance (1 of 4 stars; one submission).

Conditions:
Familial adenomatous polyposis 1 (FAP1). Also called: POLYPOSIS, ADENOMATOUS INTESTINAL; FAMILIAL ADENOMATOUS POLYPOSIS 1, ATTENUATED. Identifiers: MedGen C2713442, MONDO:0021056, OMIM 175100. Disease mechanism: loss of function.

Submission:

Labcorp Genetics (formerly Invitae), Labcorp
Classification: Uncertain significance for Familial adenomatous polyposis 1. Last evaluated: 2022-10-31. Review status: criteria provided, single submitter. Criteria: Invitae Variant Classification Sherloc (09022015). Collection method: clinical testing. Allele origin: germline.
Comment: This variant occurs in a non-coding region of the APC gene. It does not change the encoded amino acid sequence of the APC protein. This variant is not present in population databases (gnomAD no frequency). In summary, the available evidence is currently insufficient to determine the role of this variant in disease. Therefore, it has been classified as a Variant of Uncertain Significance. Experimental studies and prediction algorithms are not available or were not evaluated, and the functional significance of this variant is currently unknown. This variant has not been reported in the literature in individuals affected with APC-related conditions.

NC_000005.10:g.112707383C>A

Gene: APC (APC regulator of Wnt signaling pathway; plus strand). Cytogenetic location: 5q22.2.
Variant type: single nucleotide variant.
Genome position: GRCh38 VCF-style: chr5-112707383-C-A. GRCh37 (hg19) VCF-style: chr5-112043080-C-A.
Identifiers: ClinVar variation 2154597 (VCV002154597.5), dbSNP rs1484697641, ClinGen allele CA2580072226.